The following is an entry in ClinVar:

NM_003738.5(PTCH2):c.3487G>A (p.Ala1163Thr)

Gene: PTCH2 (patched 2; minus strand). Cytogenetic location: 1p34.1.
Variant type: single nucleotide variant.
Coding change: c.3487G>A on transcript NM_003738.5 (MANE Select); coding-DNA position 3487, G replaced by A.
Protein change: p.Ala1163Thr; replaces alanine 1163 with threonine.
Molecular consequence: missense variant. On other transcripts: intron variant (1).
Genome position (GRCh38, 1-based): chr1:44,822,540, C>T on the plus strand (G>A on the coding strand, the complement: PTCH2 is on the minus strand). VCF-style: chr1-44822540-C-T. GRCh37 (hg19) VCF-style: chr1-45288212-C-T.
Other names: c.3425+62G>A (NM_001166292.2); short protein forms A1163T.
Identifiers: ClinVar variation 2743768 (VCV002743768.3), dbSNP rs761664179, ClinGen allele CA340105515.

ClinVar aggregate classification (germline): Uncertain significance (1 of 4 stars; one submission).

Conditions:
Gorlin syndrome. Also called: Basal cell nevus syndrome; Nevoid Basal Cell Carcinoma Syndrome. Identifiers: Orphanet 377, MedGen C0004779, MONDO:0007187.

Submission:

Labcorp Genetics (formerly Invitae), Labcorp
Classification: Uncertain significance for Gorlin syndrome. Last evaluated: 2023-07-16. Review status: criteria provided, single submitter. Criteria: Invitae Variant Classification Sherloc (09022015). Collection method: clinical testing. Allele origin: germline.
Comment: In summary, the available evidence is currently insufficient to determine the role of this variant in disease. Therefore, it has been classified as a Variant of Uncertain Significance. An algorithm developed to predict the effect of missense changes on protein structure and function (PolyPhen-2) suggests that this variant is likely to be tolerated. This variant has not been reported in the literature in individuals affected with PTCH2-related conditions. This variant is not present in population databases (gnomAD no frequency). This sequence change replaces alanine, which is neutral and non-polar, with threonine, which is neutral and polar, at codon 1163 of the PTCH2 protein (p.Ala1163Thr).